The following is an entry in ClinVar:

ClinVar aggregate classification (germline): Benign (1 of 4 stars; one submission).

Allele frequency attached by ClinVar (database versions not stated): 1000 Genomes Project 0.04752; 1000 Genomes Project 30x 0.04809; gnomAD 0.05551 and 0.05781; TOPMed 0.05940.

Submission:

GeneDx
Classification: Benign. Last evaluated: 2021-06-20. Review status: criteria provided, single submitter. Criteria: GeneDx Variant Classification Process June 2021. Collection method: clinical testing. Allele origin: germline. Affected: yes.
Comment: This variant is associated with the following publications: (PMID: 28910730)

NM_000823.4(GHRHR):c.160+56C>T

Gene: GHRHR (growth hormone releasing hormone receptor; plus strand). Cytogenetic location: 7p14.3.
Variant type: single nucleotide variant.
Coding change: c.160+56C>T on transcript NM_000823.4 (MANE Select); 56 bases into the intron after coding-DNA position 160, C replaced by T.
Molecular consequence: intron variant.
Genome position (GRCh38, 1-based): chr7:30,968,992, C>T. VCF-style: chr7-30968992-C-T. GRCh37 (hg19) VCF-style: chr7-31008607-C-T.
Identifiers: ClinVar variation 1288513 (VCV001288513.1), dbSNP rs4988495, ClinGen allele CA12461472.